The following is an entry in ClinVar:

ClinVar aggregate classification (germline): Uncertain significance (1 of 4 stars; one submission).

Conditions:
Hereditary cancer-predisposing syndrome. Also called: Neoplastic Syndromes, Hereditary; Hereditary Cancer Syndrome; Hereditary neoplastic syndrome; Tumor predisposition. Identifiers: Orphanet 140162, MedGen C0027672, MeSH D009386, MONDO:0015356.

Allele frequency attached by ClinVar (database versions not stated): gnomAD exomes below 0.00001; TOPMed below 0.00001.
gnomAD v4.1: 2 of 1,614,084 alleles (0.00012%); highest among the groups gnomAD compares: East Asian, 0.0045%; no homozygotes.

Submission:

Ambry Genetics
Classification: Uncertain significance for Hereditary cancer-predisposing syndrome. Last evaluated: 2025-10-17. Review status: criteria provided, single submitter. Criteria: Ambry Variant Classification Scheme 2023. Collection method: clinical testing. Allele origin: germline.
Comment: The p.S558P variant (also known as c.1672T>C), located in coding exon 14 of the MRE11A gene, results from a T to C substitution at nucleotide position 1672. The serine at codon 558 is replaced by proline, an amino acid with similar properties. This amino acid position is conserved. In addition, this alteration is predicted to be tolerated by in silico analysis. Since supporting evidence is limited at this time, the clinical significance of this alteration remains unclear.

NM_005591.4(MRE11):c.1672T>C (p.Ser558Pro)

Gene: MRE11 (MRE11 double strand break repair nuclease; minus strand). Cytogenetic location: 11q21.
Variant type: single nucleotide variant.
Coding change: c.1672T>C on transcript NM_005591.4 (MANE Select); coding-DNA position 1672, T replaced by C.
Protein change: p.Ser558Pro; replaces serine 558 with proline.
Molecular consequence: missense variant.
Genome position (GRCh38, 1-based): chr11:94,447,330, A>G on the plus strand (T>C on the coding strand, the complement: MRE11 is on the minus strand). VCF-style: chr11-94447330-A-G. GRCh37 (hg19) VCF-style: chr11-94180496-A-G.
Other names: c.1672T>C, p.Ser558Pro (NM_001330347.2, NM_005590.4); short protein forms S558P.
Identifiers: ClinVar variation 2565913 (VCV002565913.3), dbSNP rs1945963771, ClinGen allele CA382368389.